The following is an entry in ClinVar:

ClinVar aggregate classification (germline): Conflicting classifications of pathogenicity. Review status: criteria provided, conflicting classifications (1 of 4 stars). 3 submissions from 3 submitters: Likely pathogenic (1); Uncertain significance (2). Last evaluated 2025-02-26.

Conditions:
Glutaric aciduria, type 1. Also called: Glutaryl-CoA dehydrogenase deficiency; Glutaric acidemia type I; Glutaric Acidemia Type 1; GA I; Glutaricacidemia Type 1; Glutaricaciduria, type I. Identifiers: Orphanet 25, MedGen C0268595, MONDO:0009281, OMIM 231670.

Allele frequency attached by ClinVar (database versions not stated): gnomAD exomes below 0.00001.

Submissions (3):

Natera, Inc.
Classification: Likely pathogenic for Glutaric acidemia type 1. Last evaluated: 2025-02-26. Review status: criteria provided, single submitter. Criteria: Natera Variant Classification Schema (03/2026). Collection method: clinical testing. Allele origin: germline.
Comment: The c.1018C>T variant in GCDH is a missense variant predicted to cause substitution of leucine to phenylalanine at amino acid 340. This variant is rare in the general population with a frequency below the threshold expected for the associated phenotype(s). This variant has been observed in one or more individuals affected with the associated recessive disease, as either homozygous or compound heterozygous with a second variant (PMID: 32777384, 31319225). Additionally, this variant has been observed to segregate in affected family members (PMID: 37020324). Computational prediction algorithms indicate this variant is likely to affect gene or protein function. Given the available evidence, this variant is classified as Likely Pathogenic.

3billion
Classification: Uncertain significance for Glutaric aciduria, type 1. Last evaluated: 2024-11-01. Review status: criteria provided, single submitter. Criteria: ACMG Guidelines, 2015. Collection method: clinical testing. Allele origin: germline. Affected: yes.
Comment: The variant is observed at an extremely low frequency in the gnomAD v4.1.0 dataset (total allele frequency: <0.001%). Predicted Consequence/Location: Missense variant In silico tool predictions suggest damaging effect of the variant on gene or gene product [REVEL: 0.81 (>=0.6, sensitivity 0.68 and specificity 0.92)]. The same nucleotide change resulting in the same amino acid change has been previously reported to be associated with GCDH related disorder (PMID: 32777384). However, the evidence of pathogenicity is insufficient at this time. Therefore, this variant is classified as VUS according to the recommendation of ACMG/AMP guideline.

Ege University Pediatric Genetics, Ege University
Classification: Uncertain significance for Glutaricaciduria, type I. Last evaluated: 2019-05-15. Review status: criteria provided, single submitter. Criteria: ACMG Guidelines, 2015. Collection method: clinical testing. Allele origin: germline. Affected: yes.

Literature cited by the submitters: PubMed 32777384 (cited by Natera, Inc. and 3billion); PubMed 31319225 (cited by Natera, Inc. and Ege University Pediatric Genetics, Ege University); PubMed 37020324 (cited by Natera, Inc.).

NM_000159.4(GCDH):c.1018C>T (p.Leu340Phe)

Gene: GCDH (glutaryl-CoA dehydrogenase; plus strand). Cytogenetic location: 19p13.13.
Variant type: single nucleotide variant.
Coding change: c.1018C>T on transcript NM_000159.4 (MANE Select); coding-DNA position 1018, C replaced by T.
Protein change: p.Leu340Phe; replaces leucine 340 with phenylalanine.
Molecular consequence: missense variant. On other transcripts: non-coding transcript variant (2).
Genome position (GRCh38, 1-based): chr19:12,897,364, C>T. VCF-style: chr19-12897364-C-T. GRCh37 (hg19) VCF-style: chr19-13008178-C-T.
Other names: c.1018C>T, p.Leu340Phe (NM_013976.5); c.1018C>T (NM_000159.3); short protein forms L340F.
Identifiers: ClinVar variation 635301 (VCV000635301.4), dbSNP rs1599617735, ClinGen allele CA404320050.